The following is an entry in ClinVar:

ClinVar aggregate classification (germline): Uncertain significance (1 of 4 stars; one submission).

Submission:

Labcorp Genetics (formerly Invitae), Labcorp
Classification: Uncertain significance. Last evaluated: 2024-03-21. Review status: criteria provided, single submitter. Criteria: Invitae Variant Classification Sherloc (09022015). Collection method: clinical testing. Allele origin: germline.
Comment: This sequence change replaces leucine, which is neutral and non-polar, with proline, which is neutral and non-polar, at codon 960 of the ITGAM protein (p.Leu960Pro). The frequency data for this variant in the population databases is considered unreliable, as metrics indicate poor data quality at this position in the gnomAD database. This variant has not been reported in the literature in individuals affected with ITGAM-related conditions. An algorithm developed to predict the effect of missense changes on protein structure and function (PolyPhen-2) suggests that this variant is likely to be disruptive. In summary, the available evidence is currently insufficient to determine the role of this variant in disease. Therefore, it has been classified as a Variant of Uncertain Significance.

NM_000632.4(ITGAM):c.2879T>C (p.Leu960Pro)

Gene: ITGAM (integrin subunit alpha M; plus strand). Cytogenetic location: 16p11.2.
Variant type: single nucleotide variant.
Coding change: c.2879T>C on transcript NM_000632.4 (MANE Select); coding-DNA position 2879, T replaced by C.
Protein change: p.Leu960Pro; replaces leucine 960 with proline.
Molecular consequence: missense variant.
Genome position (GRCh38, 1-based): chr16:31,329,808, T>C. VCF-style: chr16-31329808-T-C. GRCh37 (hg19) VCF-style: chr16-31341129-T-C.
Other names: c.2882T>C, p.Leu961Pro (NM_001145808.2); short protein forms L960P, L961P.
Identifiers: ClinVar variation 3673364 (VCV003673364.2).